The following is an entry in ClinVar:

NM_012463.4(ATP6V0A2):c.1258G>T (p.Val420Leu)

Gene: ATP6V0A2 (ATPase H+ transporting V0 subunit a2; plus strand). Cytogenetic location: 12q24.31.
Variant type: single nucleotide variant.
Coding change: c.1258G>T on transcript NM_012463.4 (MANE Select); coding-DNA position 1258, G replaced by T.
Protein change: p.Val420Leu; replaces valine 420 with leucine.
Molecular consequence: missense variant.
Genome position (GRCh38, 1-based): chr12:123,744,269, G>T. VCF-style: chr12-123744269-G-T. GRCh37 (hg19) VCF-style: chr12-124228816-G-T.
Other names: short protein forms V420L.
Identifiers: ClinVar variation 95518 (VCV000095518.60), dbSNP rs138716143, ClinGen allele CA223049.

ClinVar aggregate classification (germline): Benign/Likely benign. Review status: criteria provided, multiple submitters, no conflicts (2 of 4 stars). 9 submissions from 9 submitters: Benign (3); Likely benign (5). 1 of the submissions does not count toward it. Last evaluated 2026-09-01.

Conditions:
ATP6V0A2-related disorder. Also called: ATP6V0A2-related condition.
ALG9 congenital disorder of glycosylation (CDG1L). Also called: CDG Il; ALG9-CDG; CONGENITAL DISORDER OF GLYCOSYLATION, TYPE Il. Identifiers: Orphanet 79328, MedGen C2931006, MONDO:0012117, OMIM 608776.
Cutis laxa with osteodystrophy (ARCL2A). Also called: Debré-Type Cutis Laxa; CUTIS LAXA WITH CONGENITAL DISORDER OF GLYCOSYLATION; CUTIS LAXA, AUTOSOMAL RECESSIVE, TYPE IIA; CUTIS LAXA WITH BONE DYSTROPHY; CUTIS LAXA WITH GROWTH AND DEVELOPMENTAL DELAY; CUTIS LAXA WITH JOINT LAXITY AND RETARDED DEVELOPMENT. Identifiers: Orphanet 357058, MedGen C0268355, MONDO:0018163, OMIM 219200. Disease mechanism: loss of function.

Allele frequency attached by ClinVar (database versions not stated): gnomAD 0.00258 and 0.00248; gnomAD exomes 0.00376 and 0.00203; ESP Exome Variant Server 0.00384; 1000 Genomes Project 0.00060; ExAC 0.00207; TOPMed 0.00226; 1000 Genomes Project 30x 0.00062.
gnomAD v4.1: 5,803 of 1,614,140 alleles (0.36%); highest among the groups gnomAD compares: Non-Finnish European, 0.46%; 17 homozygotes.

Submissions (9):

CeGaT Center for Human Genetics Tuebingen
Classification: Likely benign. Last evaluated: 2026-09-01. Review status: criteria provided, single submitter. Criteria: CeGaT Center For Human Genetics Tuebingen Variant Classification Criteria Version 2. Collection method: clinical testing. Allele origin: germline. Affected: yes. Observed: 10 variant alleles.
Comment: ATP6V0A2: BS2

Labcorp Genetics (formerly Invitae), Labcorp
Classification: Benign for ALG9 congenital disorder of glycosylation. Last evaluated: 2026-01-31. Review status: criteria provided, single submitter. Criteria: Invitae Variant Classification Sherloc (09022015). Collection method: clinical testing. Allele origin: germline.

Blueprint Genetics
Classification: Likely benign. Last evaluated: 2024-11-21. Review status: criteria provided, single submitter. Criteria: ACMG Guidelines, 2015. Collection method: clinical testing. Allele origin: germline.

Athena Diagnostics
Classification: Benign. Last evaluated: 2019-03-28. Review status: criteria provided, single submitter. Criteria: Athena Diagnostics Criteria. Collection method: clinical testing. Allele origin: germline.

GeneDx
Classification: Likely benign. Last evaluated: 2017-10-13. Review status: criteria provided, single submitter. Criteria: GeneDx Variant Classification (06012015). Collection method: clinical testing. Allele origin: germline. Affected: yes.
Comment: This variant is considered likely benign or benign based on one or more of the following criteria: it is a conservative change, it occurs at a poorly conserved position in the protein, it is predicted to be benign by multiple in silico algorithms, and/or has population frequency not consistent with disease.

Illumina Laboratory Services, Illumina
Classification: Likely benign for Cutis laxa with osteodystrophy. Last evaluated: 2017-04-27. Review status: criteria provided, single submitter. Criteria: ICSL Variant Classification Criteria 13 December 2019. Collection method: clinical testing. Allele origin: germline.
Comment: This variant was observed as part of a predisposition screen in an ostensibly healthy population. A literature search was performed for the gene, cDNA change, and amino acid change (where applicable). No publications were found based on this search. Allele frequency data from public databases allowed determination this variant is unlikely to cause disease. Therefore, this variant is classified as likely benign.

Eurofins Ntd Llc (ga)
Classification: Benign. Last evaluated: 2015-10-22. Review status: criteria provided, single submitter. Criteria: EGL Classification Definitions 2015. Collection method: clinical testing. Allele origin: germline. Observed: 4 variant alleles, 4 heterozygotes.

Breakthrough Genomics
Classification: Likely benign. Review status: criteria provided, single submitter. Criteria: ACMG Guidelines, 2015. Collection method: not provided. Allele origin: germline. Inheritance: Autosomal recessive inheritance. Affected: yes.

PreventionGenetics, part of Exact Sciences
Classification: Likely benign for ATP6V0A2-related condition. Last evaluated: 2020-02-28. Review status: no assertion criteria provided. Collection method: clinical testing. Allele origin: germline. Not counted in ClinVar's aggregate classification.
Comment: This variant is classified as likely benign based on ACMG/AMP sequence variant interpretation guidelines (Richards et al. 2015 PMID: 25741868, with internal and published modifications).